The following is an entry in ClinVar:

NM_002972.4(SBF1):c.4975C>T (p.Arg1659Cys)

Gene: SBF1 (SET binding factor 1; minus strand). Cytogenetic location: 22q13.33.
Variant type: single nucleotide variant.
Coding change: c.4975C>T on transcript NM_002972.4 (MANE Select); coding-DNA position 4975, C replaced by T.
Protein change: p.Arg1659Cys; replaces arginine 1659 with cysteine.
Molecular consequence: missense variant.
Genome position (GRCh38, 1-based): chr22:50,454,580, G>A on the plus strand (C>T on the coding strand, the complement: SBF1 is on the minus strand). VCF-style: chr22-50454580-G-A. GRCh37 (hg19) VCF-style: chr22-50893009-G-A.
Other names: c.4900C>T, p.Arg1634Cys (NM_001365819.1); c.4975C>T (NM_002972.2); short protein forms R1659C, R1634C.
Identifiers: ClinVar variation 618866 (VCV000618866.12), dbSNP rs748396110, ClinGen allele CA10316062.
Genomic context (GRCh38, chr22:50,454,580, plus strand): 5'-GGCGTGAGATGGCGTCAGGCTGGGCCCGCGGGCAGCTGTCGTAACAGGGCCACACCACGC[G>A]GCGCCTGCTCTGGGGAGCGCCTCCATCAGACCGTTCTTCCTCTGGGGGTTCAGGGGGCCC-3'
Protein context (NP_002963.2, residues 1649-1669): SDGGAPQSRR[Arg1659Cys]VVWPCYDSCP

ClinVar aggregate classification (germline): Uncertain significance. Review status: criteria provided, multiple submitters, no conflicts (2 of 4 stars). 3 submissions from 3 submitters: Uncertain significance (3). Last evaluated 2025-05-19.

Allele frequency attached by ClinVar (database versions not stated): TOPMed 0.00005; gnomAD exomes 0.00006 and 0.00008; gnomAD 0.00005 and 0.00006; ExAC 0.00006.
gnomAD v4.1: 130 of 1,611,630 alleles (0.0081%); highest among the groups gnomAD compares: Non-Finnish European, 0.0097%; 1 homozygote.

Submissions (3):

Ambry Genetics
Classification: Uncertain significance. Last evaluated: 2025-05-19. Review status: criteria provided, single submitter. Criteria: Ambry Variant Classification Scheme 2023. Collection method: clinical testing. Allele origin: germline.

Labcorp Genetics (formerly Invitae), Labcorp
Classification: Uncertain significance. Last evaluated: 2022-07-13. Review status: criteria provided, single submitter. Criteria: Invitae Variant Classification Sherloc (09022015). Collection method: clinical testing. Allele origin: germline.
Comment: This sequence change replaces arginine, which is basic and polar, with cysteine, which is neutral and slightly polar, at codon 1659 of the SBF1 protein (p.Arg1659Cys). This variant is present in population databases (rs748396110, gnomAD 0.01%). This variant has not been reported in the literature in individuals affected with SBF1-related conditions. ClinVar contains an entry for this variant (Variation ID: 618866). Algorithms developed to predict the effect of missense changes on protein structure and function are either unavailable or do not agree on the potential impact of this missense change (SIFT: "Deleterious"; PolyPhen-2: "Possibly Damaging"; Align-GVGD: "Class C0"). In summary, the available evidence is currently insufficient to determine the role of this variant in disease. Therefore, it has been classified as a Variant of Uncertain Significance.

ARUP Laboratories, Molecular Genetics and Genomics, ARUP Laboratories
Classification: Uncertain significance. Last evaluated: 2017-11-21. Review status: criteria provided, single submitter. Criteria: ARUP Molecular Germline Variant Investigation Process. Collection method: clinical testing. Allele origin: germline.
Comment: The p.Arg1659Cys variant (rs748396110) has not been reported in the medical literature, nor is it listed in gene-specific variant databases. The p.Arg1659Cys variant is listed in the Genome Aggregation Database (gnomAD) browser with an allele frequency of 0.01% in the non-Finnish European population (identified in 11 out of 108,772 chromosomes). The arginine at codon 1659 is moderately conserved considering 12 species (Alamut software v2.10.0), and computational analyses predict that this variant does affect the structure/function of the SBF1 protein (SIFT: damaging, PolyPhen2: possibly damaging, MutationTaster: disease causing). Based on the available information, the clinical significance of the p.Arg1659Cys variant cannot be determined with certainty.